The following is an entry in ClinVar:

ClinVar aggregate classification (germline): Uncertain significance. Review status: criteria provided, multiple submitters, no conflicts (2 of 4 stars). 10 submissions from 10 submitters: Uncertain significance (9). 1 of the submissions does not count toward it. Last evaluated 2024-12-24.

Conditions:
Pulmonary fibrosis and/or bone marrow failure, Telomere-related, 3. Also called: PULMONARY FIBROSIS AND/OR BONE MARROW FAILURE SYNDROME, TELOMERE-RELATED, 3. Identifiers: Orphanet 2032, MedGen C4225346, MONDO:0014613, OMIM 616373.
Dyskeratosis congenita, autosomal recessive 5 (DKCB5). Identifiers: MedGen C3554656, MONDO:0014076, OMIM 615190.
Inborn genetic diseases. Identifiers: MedGen C0950123, MeSH D030342.
Dyskeratosis congenita. Identifiers: Orphanet 1775, MedGen C0265965, MONDO:0015780.

Allele frequency attached by ClinVar (database versions not stated): gnomAD 0.00003; TOPMed 0.00006; ESP Exome Variant Server 0.00008.
gnomAD v4.1: 129 of 1,610,550 alleles (0.008%); highest among the groups gnomAD compares: Middle Eastern, 0.033%; no homozygotes.

Submissions (10):

Labcorp Genetics (formerly Invitae), Labcorp
Classification: Uncertain significance for Dyskeratosis congenita, autosomal recessive 5; Pulmonary fibrosis and/or bone marrow failure, Telomere-related, 3. Last evaluated: 2024-12-24. Review status: criteria provided, single submitter. Criteria: Invitae Variant Classification Sherloc (09022015). Collection method: clinical testing. Allele origin: germline.
Comment: This sequence change replaces arginine, which is basic and polar, with histidine, which is basic and polar, at codon 769 of the RTEL1 protein (p.Arg769His). This variant is present in population databases (rs369014080, gnomAD 0.01%). This variant has not been reported in the literature in individuals affected with RTEL1-related conditions. This variant is also known as NM_032957.4:c.2378G>A (p.Arg793His). ClinVar contains an entry for this variant (Variation ID: 659476). An algorithm developed to predict the effect of missense changes on protein structure and function (PolyPhen-2) suggests that this variant¬¨‚Ä†is likely to be tolerated. In summary, the available evidence is currently insufficient to determine the role of this variant in disease. Therefore, it has been classified as a Variant of Uncertain Significance.

Blueprint Genetics
Classification: Uncertain significance. Last evaluated: 2024-07-16. Review status: criteria provided, single submitter. Criteria: ACMG Guidelines, 2015. Collection method: clinical testing. Allele origin: germline.

GeneDx
Classification: Uncertain significance. Last evaluated: 2023-09-28. Review status: criteria provided, single submitter. Criteria: GeneDx Variant Classification Process June 2021. Collection method: clinical testing. Allele origin: germline. Affected: yes.
Comment: In silico analysis supports that this missense variant does not alter protein structure/function; Also known as c.2306G>A (p.Arg769His); This variant is associated with the following publications: (PMID: 30842500, 35960392)

CeGaT Center for Human Genetics Tuebingen
Classification: Uncertain significance. Last evaluated: 2022-08-01. Review status: criteria provided, single submitter. Criteria: CeGaT Center For Human Genetics Tuebingen Variant Classification Criteria Version 2. Collection method: clinical testing. Allele origin: germline. Affected: yes. Observed: 1 variant allele.
Comment: RTEL1: BP4

Fulgent Genetics
Classification: Uncertain significance for Dyskeratosis congenita, autosomal recessive 5; Pulmonary fibrosis and/or bone marrow failure, Telomere-related, 3. Last evaluated: 2022-04-12. Review status: criteria provided, single submitter. Criteria: ACMG Guidelines, 2015. Collection method: clinical testing. Allele origin: unknown.

Ambry Genetics
Classification: Uncertain significance for Inborn genetic diseases. Last evaluated: 2021-05-18. Review status: criteria provided, single submitter. Criteria: Ambry Variant Classification Scheme 2023. Collection method: clinical testing. Allele origin: germline.
Comment: The c.2378G>A (p.R793H) alteration is located in exon 26 (coding exon 25) of the RTEL1 gene. This alteration results from a G to A substitution at nucleotide position 2378, causing the arginine (R) at amino acid position 793 to be replaced by a histidine (H). The p.R793H alteration is predicted to be tolerated by in silico analysis. Based on insufficient or conflicting evidence, the clinical significance of this alteration remains unclear.

Johns Hopkins Genomics, Johns Hopkins University
Classification: Uncertain significance for Pulmonary fibrosis and/or bone marrow failure, Telomere-related, 3. Last evaluated: 2020-08-28. Review status: criteria provided, single submitter. Criteria: ACMG Guidelines, 2015. Collection method: clinical testing. Allele origin: germline.
Comment: This RTEL1 variant (rs369014080) is rare (<0.1%) in a large population dataset (gnomAD: 24/27977 total alleles; 0.009%; no homozygotes) and has not been reported in the literature, to our knowledge. This variant has been reported in ClinVar. Of three bioinformatics tools queried, two predict that the substitution would be tolerated, while one predicts that it would be damaging and the arginine residue at this position is poorly evolutionarily conserved across the species assessed. Due to insufficient evidence, we consider the clinical significance of c.2306G>A to be uncertain at this time.

Mayo Clinic Laboratories, Mayo Clinic
Classification: Uncertain significance. Last evaluated: 2019-11-24. Review status: criteria provided, single submitter. Criteria: ACMG Guidelines, 2015. Collection method: clinical testing. Allele origin: germline. Observed: 1 variant allele.

Breakthrough Genomics
Classification: Uncertain significance. Review status: criteria provided, single submitter. Criteria: ACMG Guidelines, 2015. Collection method: not provided. Allele origin: germline. Inheritance: Autosomal dominant inheritance. Affected: yes.

Natera, Inc.
Classification: Uncertain significance for Dyskeratosis congenita. Last evaluated: 2020-09-16. Review status: no assertion criteria provided. Collection method: clinical testing. Allele origin: germline. Not counted in ClinVar's aggregate classification.

NM_001283009.2(RTEL1):c.2306G>A (p.Arg769His)

Genes: RTEL1 (regulator of telomere elongation helicase 1; plus strand), RTEL1-TNFRSF6B (RTEL1-TNFRSF6B readthrough (NMD candidate); plus strand). Cytogenetic location: 20q13.33.
Variant type: single nucleotide variant.
Coding change: c.2306G>A on transcript NM_001283009.2 (MANE Select); coding-DNA position 2306, G replaced by A.
Protein change: p.Arg769His; replaces arginine 769 with histidine.
Molecular consequence: missense variant. On other transcripts: non-coding transcript variant (1).
Genome position (GRCh38, 1-based): chr20:63,690,334, G>A. VCF-style: chr20-63690334-G-A. GRCh37 (hg19) VCF-style: chr20-62321687-G-A.
Other names: c.1637G>A, p.Arg546His (NM_001283010.1); c.2306G>A, p.Arg769His (NM_016434.4); c.2378G>A, p.Arg793His (NM_032957.5); short protein forms R793H, R546H, R769H.
Identifiers: ClinVar variation 659476 (VCV000659476.39), dbSNP rs369014080, ClinGen allele CA9965278.